The following is an entry in ClinVar:

ClinVar aggregate classification (germline): Pathogenic (1 of 4 stars; one submission).

Submission:

GeneDx
Classification: Pathogenic. Last evaluated: 2014-10-14. Review status: criteria provided, single submitter. Criteria: GeneDx Variant Classification (06012015). Collection method: clinical testing. Allele origin: germline. Affected: yes.
Comment: p.Gly269Val (GGC>GTC): c.806 G>T in exon 6 of the KCNQ1 gene (NM_000218.2). Although the G269V mutation in the KCNQ1 gene has not been reported previously, two different mutations at the same position (G269S, G269D) have been reported multiple times in association with LQTS (Choi G et al., 2004; Wang Z et al., 2002; Chen S et al., 2003; Donger C et al., 1997; Kapplinger J et al., 2009; Ackerman M et al., 1999; Tester D et al., 2005). In addition, mutations in nearby codons (L266P, I268S, G272D, G272V) have been reported in association with LQTS, further supporting the functional importance of this region of the protein. G269V results in a conservative amino acid substitution of a non-polar Glycine with a non-polar Valine at a residue that is conserved across species. Moreover, the NHLBI ESP Exome Variant Server reports G269V was not observed in approximately 6,500 samples from individuals of European and African American backgrounds indicating it is not a common benign variant in these populations. In summary, G269V in the KCNQ1gene is interpreted as a disease-causing mutation. The variant is found in LQT panel(s).

NM_000218.3(KCNQ1):c.806G>T (p.Gly269Val)

Gene: KCNQ1 (potassium voltage-gated channel subfamily Q member 1; plus strand). Cytogenetic location: 11p15.5.
Variant type: single nucleotide variant.
Coding change: c.806G>T on transcript NM_000218.3 (MANE Select); coding-DNA position 806, G replaced by T.
Protein change: p.Gly269Val; replaces glycine 269 with valine.
Molecular consequence: missense variant.
Genome position (GRCh38, 1-based): chr11:2,572,871, G>T. VCF-style: chr11-2572871-G-T. GRCh37 (hg19) VCF-style: chr11-2594101-G-T.
Other names: p.G269V:GGC>GTC; c.806G>T, p.Gly269Val (NM_001406836.1); c.536G>T, p.Gly179Val (NM_001406837.1); c.425G>T, p.Gly142Val (NM_181798.2); short protein forms G142V, G269V, G179V.
Identifiers: ClinVar variation 200899 (VCV000200899.4), dbSNP rs120074194, ClinGen allele CA008303.